The following is an entry in ClinVar:

NM_032217.5(ANKRD17):c.2085+7_2085+17del

Gene: ANKRD17 (ankyrin repeat domain 17; minus strand). Cytogenetic location: 4q13.3.
Variant type: Deletion.
Coding change: c.2085+7_2085+17del on transcript NM_032217.5 (MANE Select); bases 7 to 17 of the intron after coding-DNA position 2085, 11 bases deleted (AACTCAAATGT).
Molecular consequence: intron variant.
Genome position (GRCh38, 1-based): chr4:73,142,623-73,142,633, ACATTTGAGTT deleted on the plus strand (AACTCAAATGT on the coding strand, the reverse complement: ANKRD17 is on the minus strand); deleting any 11 consecutive bases within chr4:73,142,623-73,142,637 gives the same sequence; the c. name uses the placement nearest the transcript's 3' end. VCF-style (leftmost placement, unchanged base first): chr4-73142622-AACATTTGAGTT-A. GRCh37 (hg19) VCF-style: chr4-74008339-AACATTTGAGTT-A.
Other names: c.2085+7_2085+17del (NM_198889.3, NM_015574.2); c.1746+7_1746+17del (NM_001286771.3).
Identifiers: ClinVar variation 4884113 (VCV004884113.2).

ClinVar aggregate classification (germline): Uncertain significance (1 of 4 stars; one submission).

Submission:

Dasa
Classification: Uncertain significance. Last evaluated: 2025-02-10. Review status: criteria provided, single submitter. Criteria: DASA Assertion Criteria. Collection method: clinical testing. Allele origin: germline.
Comment: NM_032217.5(ANKRD17):c.2085+7_2085+17del is a splice-region variant. This variant is absent from population databases. The currently available literature and clinical evidence are not sufficient to establish a definitive association between this variant and the reported condition. Therefore, this variant is classified as a variant of uncertain significance.